The following is an entry in ClinVar:

NM_001110556.2(FLNA):c.5662G>A (p.Val1888Ile)

Gene: FLNA (filamin A; minus strand). Cytogenetic location: Xq28.
Variant type: single nucleotide variant.
Coding change: c.5662G>A on transcript NM_001110556.2 (MANE Select); coding-DNA position 5662, G replaced by A.
Protein change: p.Val1888Ile; replaces valine 1888 with isoleucine.
Molecular consequence: missense variant.
Genome position (GRCh38, 1-based): chrX:154,353,939, C>T on the plus strand (G>A on the coding strand, the complement: FLNA is on the minus strand). VCF-style: chrX-154353939-C-T. GRCh37 (hg19) VCF-style: chrX-153582307-C-T.
Other names: c.5638G>A, p.Val1880Ile (NM_001456.4); short protein forms V1880I, V1888I.
Identifiers: ClinVar variation 515378 (VCV000515378.4), dbSNP rs782669152, ClinGen allele CA10560264.

ClinVar aggregate classification (germline): Conflicting classifications of pathogenicity. Review status: criteria provided, conflicting classifications (1 of 4 stars). 2 submissions from 2 submitters: Uncertain significance (1); Likely benign (1). Last evaluated 2024-09-23.

Conditions:
Melnick-Needles syndrome (MNS). Also called: MELNICK-NEEDLES OSTEODYSPLASTY; Melnick-Needles Syndrome (FLNA-MNS); OSTEODYSPLASTY OF MELNICK AND NEEDLES. Identifiers: Orphanet 2484, MedGen C0025237, MONDO:0010650, OMIM 309350.
Frontometaphyseal dysplasia (FMD1). Identifiers: Orphanet 1826, MedGen C0265293, MONDO:0015942.
Heterotopia, periventricular, X-linked dominant (PVNH1). Also called: PERIVENTRICULAR NODULAR HETEROTOPIA 4; HETEROTOPIA, PERIVENTRICULAR, 1; PERIVENTRICULAR NODULAR HETEROTOPIA 1; X-linked periventricular heterotopia. Identifiers: Orphanet 2149, Orphanet 82004, MedGen C1848213, MONDO:0010233, OMIM 300049.
Oto-palato-digital syndrome, type II (OPD2). Also called: Otopalatodigital Syndrome Type 2 (FLNA-OPD2); FACIOPALATOOSSEOUS SYNDROME; OPD II SYNDROME; Otopalatodigital Syndrome, Type II. Identifiers: Orphanet 669, Orphanet 90652, MedGen C1844696, MONDO:0010571, OMIM 304120.

Allele frequency attached by ClinVar (database versions not stated): gnomAD exomes below 0.00001; ExAC 0.00001.
gnomAD v4.1: 2 of 1,212,003 alleles (0.00017%); highest among the groups gnomAD compares: Middle Eastern, 0.023%; no homozygotes.

Submissions (2):

Labcorp Genetics (formerly Invitae), Labcorp
Classification: Uncertain significance for Oto-palato-digital syndrome, type II; Heterotopia, periventricular, X-linked dominant; Frontometaphyseal dysplasia; Melnick-Needles syndrome. Last evaluated: 2024-09-23. Review status: criteria provided, single submitter. Criteria: Invitae Variant Classification Sherloc (09022015). Collection method: clinical testing. Allele origin: germline.
Comment: This sequence change replaces valine, which is neutral and non-polar, with isoleucine, which is neutral and non-polar, at codon 1880 of the FLNA protein (p.Val1880Ile). This variant is present in population databases (rs782669152, gnomAD 0.001%). This variant has not been reported in the literature in individuals affected with FLNA-related conditions. ClinVar contains an entry for this variant (Variation ID: 515378). Invitae Evidence Modeling of protein sequence and biophysical properties (such as structural, functional, and spatial information, amino acid conservation, physicochemical variation, residue mobility, and thermodynamic stability) indicates that this missense variant is not expected to disrupt FLNA protein function with a negative predictive value of 95%. In summary, the available evidence is currently insufficient to determine the role of this variant in disease. Therefore, it has been classified as a Variant of Uncertain Significance.

GeneDx
Classification: Likely benign. Last evaluated: 2018-02-08. Review status: criteria provided, single submitter. Criteria: GeneDx Variant Classification (06012015). Collection method: clinical testing. Allele origin: germline. Affected: yes.
Comment: This variant is considered likely benign or benign based on one or more of the following criteria: it is a conservative change, it occurs at a poorly conserved position in the protein, it is predicted to be benign by multiple in silico algorithms, and/or has population frequency not consistent with disease.